The following is an entry in ClinVar:

NC_000016.9:g.(?_5125369)_(5125557_?)del

Gene: ALG1 (ALG1 chitobiosyldiphosphodolichol beta-mannosyltransferase; plus strand). Cytogenetic location: 16p13.3.
Variant type: Deletion.
Identifiers: ClinVar variation 3243495 (VCV003243495.1).

ClinVar aggregate classification (germline): Pathogenic (1 of 4 stars; one submission).

Conditions:
ALG1-congenital disorder of glycosylation. Also called: CONGENITAL DISORDER OF GLYCOSYLATION, TYPE Ik; CDG Ik; ALG1-CDG. Identifiers: Orphanet 79327, MedGen C2931005, MONDO:0012052, OMIM 608540.

Submission:

Labcorp Genetics (formerly Invitae), Labcorp
Classification: Pathogenic for ALG1-congenital disorder of glycosylation. Last evaluated: 2023-12-09. Review status: criteria provided, single submitter. Criteria: Invitae Variant Classification Sherloc (09022015). Collection method: clinical testing. Allele origin: unknown.
Comment: This variant is a gross deletion of the genomic region encompassing exon(s) 4 of the ALG1 gene. This deletion is out-of-frame, and is expected to create a premature termination codon and result in an absent or disrupted protein product. Loss-of-function variants in ALG1 are known to be pathogenic (PMID: 20679665, 23806237). This variant has not been reported in the literature in individuals affected with ALG1-related conditions. For these reasons, this variant has been classified as Pathogenic.

Literature cited by the submitters: PubMed 20679665; PubMed 23806237.